The following is an entry in ClinVar:

NM_001918.5(DBT):c.872G>A (p.Arg291Gln)

Gene: DBT (dihydrolipoamide branched chain transacylase E2; minus strand). Cytogenetic location: 1p21.2.
Variant type: single nucleotide variant.
Coding change: c.872G>A on transcript NM_001918.5 (MANE Select); coding-DNA position 872, G replaced by A.
Protein change: p.Arg291Gln; replaces arginine 291 with glutamine.
Molecular consequence: missense variant. On other transcripts: non-coding transcript variant (4).
Genome position (GRCh38, 1-based): chr1:100,214,884, C>T on the plus strand (G>A on the coding strand, the complement: DBT is on the minus strand). VCF-style: chr1-100214884-C-T. GRCh37 (hg19) VCF-style: chr1-100680440-C-T.
Other names: c.329G>A, p.Arg110Gln (NM_001399969.1, NM_001399972.1); short protein forms R291Q, R110Q.
Identifiers: ClinVar variation 2064599 (VCV002064599.4), dbSNP rs775808731, ClinGen allele CA969646.

ClinVar aggregate classification (germline): Likely pathogenic (1 of 4 stars; one submission).

Conditions:
Maple syrup urine disease (MSUD). Identifiers: Orphanet 511, MedGen C0024776, MeSH D008375, MONDO:0009563. Disease mechanism: loss of function.

Allele frequency attached by ClinVar (database versions not stated): ExAC 0.00001.
gnomAD v4.1: 20 of 1,613,896 alleles (0.0012%); highest among the groups gnomAD compares: Admixed American, 0.0033%; no homozygotes.

Submission:

Labcorp Genetics (formerly Invitae), Labcorp
Classification: Likely pathogenic for Maple syrup urine disease. Last evaluated: 2024-02-02. Review status: criteria provided, single submitter. Criteria: Invitae Variant Classification Sherloc (09022015). Collection method: clinical testing. Allele origin: germline.
Comment: This sequence change replaces arginine, which is basic and polar, with glutamine, which is neutral and polar, at codon 291 of the DBT protein (p.Arg291Gln). This variant is present in population databases (rs775808731, gnomAD 0.006%). This variant has not been reported in the literature in individuals affected with DBT-related conditions. ClinVar contains an entry for this variant (Variation ID: 2064599). Advanced modeling of protein sequence and biophysical properties (such as structural, functional, and spatial information, amino acid conservation, physicochemical variation, residue mobility, and thermodynamic stability) performed at Invitae indicates that this missense variant is expected to disrupt DBT protein function with a positive predictive value of 95%. This variant disrupts the p.Arg291 amino acid residue in DBT. Other variant(s) that disrupt this residue have been determined to be pathogenic (Invitae). This suggests that this residue is clinically significant, and that variants that disrupt this residue are likely to be disease-causing. In summary, the currently available evidence indicates that the variant is pathogenic, but additional data are needed to prove that conclusively. Therefore, this variant has been classified as Likely Pathogenic.